The following is an entry in ClinVar:

ClinVar aggregate classification (germline): Uncertain significance. Review status: criteria provided, single submitter (1 of 4 stars). 2 submissions from 2 submitters: Uncertain significance (1). 1 of the submissions does not count toward it. Last evaluated 2025-07-15.

Conditions:
PLXNA3-related disorder. Also called: PLXNA3-related condition.

gnomAD v4.1: 2 of 1,211,472 alleles (0.00017%); highest among the groups gnomAD compares: Non-Finnish European, 0.00011%; no homozygotes.

Submissions (2):

Ambry Genetics
Classification: Uncertain significance. Last evaluated: 2025-07-15. Review status: criteria provided, single submitter. Criteria: Ambry Variant Classification Scheme 2023. Collection method: clinical testing. Allele origin: germline.

PreventionGenetics, part of Exact Sciences
Classification: Uncertain significance for PLXNA3-related condition. Last evaluated: 2024-06-10. Review status: no assertion criteria provided. Collection method: clinical testing. Allele origin: germline. Not counted in ClinVar's aggregate classification.
Comment: The PLXNA3 c.5068A>G variant is predicted to result in the amino acid substitution p.Ile1690Val. To our knowledge, this variant has not been reported in the literature or in a large population database, indicating this variant is rare. At this time, the clinical significance of this variant is uncertain due to the absence of conclusive functional and genetic evidence.

NM_017514.5(PLXNA3):c.5068A>G (p.Ile1690Val)

Gene: PLXNA3 (plexin A3; plus strand). Cytogenetic location: Xq28.
Variant type: single nucleotide variant.
Coding change: c.5068A>G on transcript NM_017514.5 (MANE Select); coding-DNA position 5068, A replaced by G.
Protein change: p.Ile1690Val; replaces isoleucine 1690 with valine.
Molecular consequence: missense variant.
Genome position (GRCh38, 1-based): chrX:154,470,523, A>G. VCF-style: chrX-154470523-A-G. GRCh37 (hg19) VCF-style: chrX-153698866-A-G.
Other names: c.5068A>G (NM_017514.3); short protein forms I1690V.
Identifiers: ClinVar variation 3349473 (VCV003349473.2).